The following is an entry in ClinVar:

ClinVar aggregate classification (germline): Uncertain significance (1 of 4 stars; one submission).

Allele frequency attached by ClinVar (database versions not stated): TOPMed below 0.00001; gnomAD 0.00001.
gnomAD v4.1: 1 of 1,609,226 alleles (0.000062%); highest among the groups gnomAD compares: South Asian, 0.0011%; no homozygotes.

Submission:

Labcorp Genetics (formerly Invitae), Labcorp
Classification: Uncertain significance. Last evaluated: 2025-01-13. Review status: criteria provided, single submitter. Criteria: Invitae Variant Classification Sherloc (09022015). Collection method: clinical testing. Allele origin: germline.
Comment: This sequence change replaces histidine, which is basic and polar, with arginine, which is basic and polar, at codon 583 of the ATF6 protein (p.His583Arg). This variant is not present in population databases (gnomAD no frequency). This variant has not been reported in the literature in individuals affected with ATF6-related conditions. ClinVar contains an entry for this variant (Variation ID: 1410480). Invitae Evidence Modeling of protein sequence and biophysical properties (such as structural, functional, and spatial information, amino acid conservation, physicochemical variation, residue mobility, and thermodynamic stability) indicates that this missense variant is not expected to disrupt ATF6 protein function with a negative predictive value of 80%. In summary, the available evidence is currently insufficient to determine the role of this variant in disease. Therefore, it has been classified as a Variant of Uncertain Significance.

NM_007348.4(ATF6):c.1748A>G (p.His583Arg)

Gene: ATF6 (activating transcription factor 6; plus strand). Cytogenetic location: 1q23.3.
Variant type: single nucleotide variant.
Coding change: c.1748A>G on transcript NM_007348.4 (MANE Select); coding-DNA position 1748, A replaced by G.
Protein change: p.His583Arg; replaces histidine 583 with arginine.
Molecular consequence: missense variant.
Genome position (GRCh38, 1-based): chr1:161,912,324, A>G. VCF-style: chr1-161912324-A-G. GRCh37 (hg19) VCF-style: chr1-161882114-A-G.
Other names: short protein forms H583R.
Identifiers: ClinVar variation 1410480 (VCV001410480.6), dbSNP rs1029629568, ClinGen allele CA31728354.